The following is an entry in ClinVar:

ClinVar aggregate classification (germline): Pathogenic/Likely pathogenic. Review status: criteria provided, multiple submitters, no conflicts (2 of 4 stars). 4 submissions from 4 submitters: Pathogenic (1); Likely pathogenic (2). 1 of the submissions does not count toward it. Last evaluated 2024-03-25.

Conditions:
Glutaric acidemia IIa. Also called: ETFA deficiency. Identifiers: MedGen C3278154, MONDO:0700073.
Multiple acyl-CoA dehydrogenase deficiency (MADD). Also called: Glutaric acidemia type II; GA 2; Glutaric aciduria, type 2; Glutaric Acidemia type 2; ETHYLMALONIC-ADIPICACIDURIA; GA II. Identifiers: Orphanet 26791, MedGen C0268596, MONDO:0009282, OMIM 231680.

Allele frequency attached by ClinVar (database versions not stated): gnomAD 0.00001; gnomAD exomes 0.00001 and 0.00002; ExAC 0.00002; TOPMed 0.00003.
gnomAD v4.1: 12 of 1,610,866 alleles (0.00074%); highest among the groups gnomAD compares: Admixed American, 0.0017%; no homozygotes.

Submissions (4):

Baylor Genetics
Classification: Pathogenic for Multiple acyl-CoA dehydrogenase deficiency. Last evaluated: 2024-03-25. Review status: criteria provided, single submitter. Criteria: ACMG Guidelines, 2015. Collection method: clinical testing. Allele origin: unknown.

Fulgent Genetics
Classification: Likely pathogenic for Multiple acyl-CoA dehydrogenase deficiency. Last evaluated: 2024-01-03. Review status: criteria provided, single submitter. Criteria: ACMG Guidelines, 2015. Collection method: clinical testing. Allele origin: germline.

Women's Health and Genetics/Laboratory Corporation of America, LabCorp
Classification: Likely pathogenic for Multiple acyl-CoA dehydrogenase deficiency. Last evaluated: 2023-09-27. Review status: criteria provided, single submitter. Criteria: LabCorp Variant Classification Summary - May 2015. Collection method: clinical testing. Allele origin: germline.
Comment: Variant summary: ETFA c.470T>G (p.Val157Gly) results in a non-conservative amino acid change located in the N-terminal domain (IPR014730) of the encoded protein sequence. Five of five in-silico tools predict a damaging effect of the variant on protein function. The variant allele was found at a frequency of 2e-05 in 251054 control chromosomes. c.470T>G has been reported in the literature in at least two individuals affected with Glutaric Aciduria, Type 2a (Indo_1991, Freneaux_1992, Schiff_2006). These data indicate that the variant may be associated with disease. These publications also reported that the ETFA protein was almost undetectable and had a severely reduced enzyme activity in patient derived fibroblasts (Indo_1991, Freneaux_1992, Schiff_2006). The following publications have been ascertained in the context of this evaluation (PMID: 16546179, 33450351, 20674745, 16510302, 1430199, 1882842, 23867278). No submitters have cited clinical-significance assessments for this variant to ClinVar after 2014. Based on the evidence outlined above, the variant was classified as likely pathogenic.

OMIM
Classification: Pathogenic for GLUTARIC ACIDEMIA IIA. Last evaluated: 1992-11-01. Review status: no assertion criteria provided. Collection method: literature only. Allele origin: germline. Not counted in ClinVar's aggregate classification.

Literature cited by the submitters: PubMed 16546179 (cited by Women's Health and Genetics/Laboratory Corporation of America, LabCorp); PubMed 33450351 (cited by Women's Health and Genetics/Laboratory Corporation of America, LabCorp); PubMed 20674745 (cited by Women's Health and Genetics/Laboratory Corporation of America, LabCorp); PubMed 16510302 (cited by Women's Health and Genetics/Laboratory Corporation of America, LabCorp); PubMed 1430199 (cited by Women's Health and Genetics/Laboratory Corporation of America, LabCorp and OMIM); PubMed 1882842 (cited by Women's Health and Genetics/Laboratory Corporation of America, LabCorp and OMIM); PubMed 23867278 (cited by Women's Health and Genetics/Laboratory Corporation of America, LabCorp).

NM_000126.4(ETFA):c.470T>G (p.Val157Gly)

Gene: ETFA (electron transfer flavoprotein subunit alpha; minus strand). Cytogenetic location: 15q24.2.
Variant type: single nucleotide variant.
Coding change: c.470T>G on transcript NM_000126.4 (MANE Select); coding-DNA position 470, T replaced by G.
Protein change: p.Val157Gly; replaces valine 157 with glycine.
Molecular consequence: missense variant.
Genome position (GRCh38, 1-based): chr15:76,286,463, A>C on the plus strand (T>G on the coding strand, the complement: ETFA is on the minus strand). VCF-style: chr15-76286463-A-C. GRCh37 (hg19) VCF-style: chr15-76578804-A-C.
Other names: c.323T>G, p.Val108Gly (NM_001127716.2); short protein forms V157G, V108G.
Identifiers: ClinVar variation 2593 (VCV000002593.6), dbSNP rs119458969, ClinGen allele CA115637.